The following is an entry in ClinVar:

NM_145290.4(ADGRA3):c.3923G>T (p.Gly1308Val)

Gene: ADGRA3 (adhesion G protein-coupled receptor A3; minus strand). Cytogenetic location: 4p15.2.
Variant type: single nucleotide variant.
Coding change: c.3923G>T on transcript NM_145290.4 (MANE Select); coding-DNA position 3923, G replaced by T.
Protein change: p.Gly1308Val; replaces glycine 1308 with valine.
Molecular consequence: missense variant.
Genome position (GRCh38, 1-based): chr4:22,387,748, C>A on the plus strand (G>T on the coding strand, the complement: ADGRA3 is on the minus strand). VCF-style: chr4-22387748-C-A. GRCh37 (hg19) VCF-style: chr4-22389371-C-A.
Other names: short protein forms G1308V.
Identifiers: ClinVar variation 2825103 (VCV002825103.3), dbSNP rs2474685159, ClinGen allele CA356471391.

ClinVar aggregate classification (germline): Uncertain significance (1 of 4 stars; one submission).

Submission:

Labcorp Genetics (formerly Invitae), Labcorp
Classification: Uncertain significance. Last evaluated: 2022-12-30. Review status: criteria provided, single submitter. Criteria: Invitae Variant Classification Sherloc (09022015). Collection method: clinical testing. Allele origin: germline.
Comment: This sequence change replaces glycine, which is neutral and non-polar, with valine, which is neutral and non-polar, at codon 1308 of the ADGRA3 protein (p.Gly1308Val). This variant is not present in population databases (gnomAD no frequency). This variant has not been reported in the literature in individuals affected with ADGRA3-related conditions. Algorithms developed to predict the effect of missense changes on protein structure and function are either unavailable or do not agree on the potential impact of this missense change (SIFT: "Deleterious"; PolyPhen-2: "Possibly Damaging"; Align-GVGD: "Class C0"). In summary, the available evidence is currently insufficient to determine the role of this variant in disease. Therefore, it has been classified as a Variant of Uncertain Significance.